The following is an entry in ClinVar:

NM_000286.3(PEX12):c.905C>T (p.Thr302Ile)

Gene: PEX12 (peroxisomal biogenesis factor 12; minus strand). Cytogenetic location: 17q12.
Variant type: single nucleotide variant.
Coding change: c.905C>T on transcript NM_000286.3 (MANE Select); coding-DNA position 905, C replaced by T.
Protein change: p.Thr302Ile; replaces threonine 302 with isoleucine.
Molecular consequence: missense variant.
Genome position (GRCh38, 1-based): chr17:35,575,957, G>A on the plus strand (C>T on the coding strand, the complement: PEX12 is on the minus strand). VCF-style: chr17-35575957-G-A. GRCh37 (hg19) VCF-style: chr17-33902976-G-A.
Other names: short protein forms T302I.
Identifiers: ClinVar variation 848033 (VCV000848033.11), dbSNP rs373860467, ClinGen allele CA8504823.

ClinVar aggregate classification (germline): Uncertain significance. Review status: criteria provided, multiple submitters, no conflicts (2 of 4 stars). 5 submissions from 5 submitters: Uncertain significance (5). Last evaluated 2026-01-28.

Conditions:
Peroxisome biogenesis disorder type 3B. Identifiers: Orphanet 44, Orphanet 772, MedGen C3550693, MONDO:0009959, OMIM 266510.
Peroxisome biogenesis disorder 3A (Zellweger). Also called: Peroxisome biogenesis disorder 3A; PEROXISOMAL BIOGENESIS DISORDER 3A (ZELLWEGER). Identifiers: Orphanet 912, MedGen C3553929, MONDO:0013927, OMIM 614859.
PEX12-related disorder. Also called: PEX12-related condition; PEX12-related disorders.
Inborn genetic diseases. Identifiers: MedGen C0950123, MeSH D030342.

Allele frequency attached by ClinVar (database versions not stated): gnomAD 0.00002 and 0.00003; TOPMed 0.00003; ExAC 0.00006; 1000 Genomes Project 30x 0.00016; 1000 Genomes Project 0.00020.

Submissions (5):

PreventionGenetics, part of Exact Sciences
Classification: Uncertain significance for PEX12-related condition. Last evaluated: 2026-01-28. Review status: criteria provided, single submitter. Criteria: ACMG Guidelines, 2015. Collection method: clinical testing. Allele origin: germline.
Comment: The PEX12 c.905C>T variant is predicted to result in the amino acid substitution p.Thr302Ile. To our knowledge, this variant has not been reported in the literature. This variant is reported in 0.085% of alleles in individuals of East Asian descent in gnomAD. Although we suspect that this variant may be benign, at this time, the clinical significance of this variant is uncertain due to the absence of conclusive functional and genetic evidence.

Ambry Genetics
Classification: Uncertain significance for Inborn genetic diseases. Last evaluated: 2025-06-06. Review status: criteria provided, single submitter. Criteria: Ambry Variant Classification Scheme 2023. Collection method: clinical testing. Allele origin: germline.

Labcorp Genetics (formerly Invitae), Labcorp
Classification: Uncertain significance for Peroxisome biogenesis disorder 3A (Zellweger). Last evaluated: 2025-01-23. Review status: criteria provided, single submitter. Criteria: Invitae Variant Classification Sherloc (09022015). Collection method: clinical testing. Allele origin: germline.
Comment: This sequence change replaces threonine, which is neutral and polar, with isoleucine, which is neutral and non-polar, at codon 302 of the PEX12 protein (p.Thr302Ile). This variant is present in population databases (rs373860467, gnomAD 0.08%). This variant has not been reported in the literature in individuals affected with PEX12-related conditions. ClinVar contains an entry for this variant (Variation ID: 848033). Invitae Evidence Modeling of protein sequence and biophysical properties (such as structural, functional, and spatial information, amino acid conservation, physicochemical variation, residue mobility, and thermodynamic stability) indicates that this missense variant is not expected to disrupt PEX12 protein function with a negative predictive value of 80%. In summary, the available evidence is currently insufficient to determine the role of this variant in disease. Therefore, it has been classified as a Variant of Uncertain Significance.

Blueprint Genetics
Classification: Uncertain significance. Last evaluated: 2024-09-23. Review status: criteria provided, single submitter. Criteria: ACMG Guidelines, 2015. Collection method: clinical testing. Allele origin: germline.

Juno Genomics, Hangzhou Juno Genomics, Inc
Classification: Uncertain significance for Peroxisome biogenesis disorder 3A (Zellweger); Peroxisome biogenesis disorder type 3B. Review status: criteria provided, single submitter. Criteria: ACMG Guidelines, 2015. Collection method: clinical testing. Allele origin: germline.
Comment: Absent from controls (or at extremely low frequency if recessive) in Genome Aggregation Database.